The following is an entry in ClinVar:

ClinVar aggregate classification (germline): Uncertain significance (1 of 4 stars; one submission).

Conditions:
Hereditary cancer-predisposing syndrome. Also called: Neoplastic Syndromes, Hereditary; Hereditary Cancer Syndrome; Tumor predisposition; Hereditary neoplastic syndrome. Identifiers: Orphanet 140162, MedGen C0027672, MeSH D009386, MONDO:0015356.

Submission:

Labcorp Genetics (formerly Invitae), Labcorp
Classification: Uncertain significance for Hereditary cancer-predisposing syndrome. Last evaluated: 2024-10-23. Review status: criteria provided, single submitter. Criteria: Invitae Variant Classification Sherloc (09022015). Collection method: clinical testing. Allele origin: germline.
Comment: This sequence change replaces glutamine, which is neutral and polar, with arginine, which is basic and polar, at codon 702 of the RAD50 protein (p.Gln702Arg). This variant is not present in population databases (gnomAD no frequency). This variant has not been reported in the literature in individuals affected with RAD50-related conditions. ClinVar contains an entry for this variant (Variation ID: 1473713). Invitae Evidence Modeling of protein sequence and biophysical properties (such as structural, functional, and spatial information, amino acid conservation, physicochemical variation, residue mobility, and thermodynamic stability) indicates that this missense variant is not expected to disrupt RAD50 protein function with a negative predictive value of 80%. In summary, the available evidence is currently insufficient to determine the role of this variant in disease. Therefore, it has been classified as a Variant of Uncertain Significance.

NM_005732.4(RAD50):c.2105A>G (p.Gln702Arg)

Gene: RAD50 (RAD50 double strand break repair protein; plus strand). Cytogenetic location: 5q31.1.
Variant type: single nucleotide variant.
Coding change: c.2105A>G on transcript NM_005732.4 (MANE Select); coding-DNA position 2105, A replaced by G.
Protein change: p.Gln702Arg; replaces glutamine 702 with arginine.
Molecular consequence: missense variant.
Genome position (GRCh38, 1-based): chr5:132,595,708, A>G. VCF-style: chr5-132595708-A-G. GRCh37 (hg19) VCF-style: chr5-131931400-A-G.
Other names: short protein forms Q702R.
Identifiers: ClinVar variation 1473713 (VCV001473713.6), dbSNP rs2149844151, ClinGen allele CA360950106.